The following is an entry in ClinVar:

NM_000455.5(STK11):c.850G>C (p.Asp284His)

Gene: STK11 (serine/threonine kinase 11; plus strand). Cytogenetic location: 19p13.3.
Variant type: single nucleotide variant.
Coding change: c.850G>C on transcript NM_000455.5 (MANE Select); coding-DNA position 850, G replaced by C.
Protein change: p.Asp284His; replaces aspartic acid 284 with histidine.
Molecular consequence: missense variant.
Genome position (GRCh38, 1-based): chr19:1,221,328, G>C. VCF-style: chr19-1221328-G-C. GRCh37 (hg19) VCF-style: chr19-1221327-G-C.
Other names: c.850G>C, p.Asp284His (NM_001407255.1); short protein forms D284H.
Identifiers: ClinVar variation 1763682 (VCV001763682.6), dbSNP rs2145427233, ClinGen allele CA402950733.
Genomic context (GRCh38, chr19:1,221,328, plus strand): 5'-TTTGAGAACATCGGGAAGGGGAGCTACGCCATCCCGGGCGACTGTGGCCCCCCGCTCTCT[G>C]ACCTGCTGAAAGGTGGGAGCCTCATCCCTCTGCCCGCAGCCCCAGGGAGGCGGGGCTTTT-3'
Protein context (NP_000446.1, residues 274-294): IPGDCGPPLS[Asp284His]LLKGMLEYEP

ClinVar aggregate classification (germline): Uncertain significance. Review status: criteria provided, multiple submitters, no conflicts (2 of 4 stars). 2 submissions from 2 submitters: Uncertain significance (2). Last evaluated 2023-03-30.

Conditions:
Hereditary cancer-predisposing syndrome. Also called: Neoplastic Syndromes, Hereditary; Tumor predisposition; Hereditary neoplastic syndrome; Hereditary Cancer Syndrome. Identifiers: Orphanet 140162, MedGen C0027672, MeSH D009386, MONDO:0015356.
Peutz-Jeghers syndrome (PJS). Also called: POLYPOSIS, HAMARTOMATOUS INTESTINAL; POLYPS-AND-SPOTS SYNDROME; Peutz-Jeghers polyposis; Periorificial lentiginosis syndrome. Identifiers: Orphanet 2869, MedGen C0031269, MeSH D010580, MONDO:0008280, OMIM 175200.

Submissions (2):

Labcorp Genetics (formerly Invitae), Labcorp
Classification: Uncertain significance for Peutz-Jeghers syndrome. Last evaluated: 2023-03-30. Review status: criteria provided, single submitter. Criteria: Invitae Variant Classification Sherloc (09022015). Collection method: clinical testing. Allele origin: germline.
Comment: This sequence change replaces aspartic acid, which is acidic and polar, with histidine, which is basic and polar, at codon 284 of the STK11 protein (p.Asp284His). This variant is not present in population databases (gnomAD no frequency). This variant has not been reported in the literature in individuals affected with STK11-related conditions. ClinVar contains an entry for this variant (Variation ID: 1763682). Advanced modeling of protein sequence and biophysical properties (such as structural, functional, and spatial information, amino acid conservation, physicochemical variation, residue mobility, and thermodynamic stability) has been performed at Invitae for this missense variant, however the output from this modeling did not meet the statistical confidence thresholds required to predict the impact of this variant on STK11 protein function. In summary, the available evidence is currently insufficient to determine the role of this variant in disease. Therefore, it has been classified as a Variant of Uncertain Significance.

Ambry Genetics
Classification: Uncertain significance for Hereditary cancer-predisposing syndrome. Last evaluated: 2023-02-27. Review status: criteria provided, single submitter. Criteria: Ambry Variant Classification Scheme 2023. Collection method: clinical testing. Allele origin: germline.
Comment: The p.D284H variant (also known as c.850G>C), located in coding exon 6 of the STK11 gene, results from a G to C substitution at nucleotide position 850. The aspartic acid at codon 284 is replaced by histidine, an amino acid with similar properties. This amino acid position is highly conserved in available vertebrate species. In addition, the in silico prediction for this alteration is inconclusive. Since supporting evidence is limited at this time, the clinical significance of this alteration remains unclear.